The following is an entry in ClinVar:

ClinVar aggregate classification (germline): Uncertain significance (1 of 4 stars; one submission).

Conditions:
NCOA1-related disorder. Also called: NCOA1-related condition.

Allele frequency attached by ClinVar (database versions not stated): TOPMed 0.00034; gnomAD 0.00042; ExAC 0.00050; ESP Exome Variant Server 0.00054.
gnomAD v4.1: 852 of 1,613,928 alleles (0.053%); highest among the groups gnomAD compares: Non-Finnish European, 0.064%; no homozygotes.

Submission:

PreventionGenetics, part of Exact Sciences
Classification: Uncertain significance for NCOA1-related condition. Last evaluated: 2026-08-31. Review status: criteria provided, single submitter. Criteria: ACMG Guidelines, 2015. Collection method: clinical testing. Allele origin: germline.
Comment: The NCOA1 c.2569G>A variant is predicted to result in the amino acid substitution p.Ala857Thr. This variant was reported in four individuals from a large cohort with severe obesity; however, no additional evidence was provided to support causation (Cacciottolo et al. 2022. PubMed ID: 35137184). This variant is reported in 0.077% of alleles in individuals of European (non-Finnish) descent in gnomAD, which may be too common to be a primary cause of disease. Although we suspect that this variant may be benign, at this time, the clinical significance of this variant is uncertain due to the absence of conclusive functional and genetic evidence.

NM_003743.5(NCOA1):c.2569G>A (p.Ala857Thr)

Gene: NCOA1 (nuclear receptor coactivator 1; plus strand). Cytogenetic location: 2p23.3.
Variant type: single nucleotide variant.
Coding change: c.2569G>A on transcript NM_003743.5 (MANE Select); coding-DNA position 2569, G replaced by A.
Protein change: p.Ala857Thr; replaces alanine 857 with threonine.
Molecular consequence: missense variant.
Genome position (GRCh38, 1-based): chr2:24,711,081, G>A. VCF-style: chr2-24711081-G-A. GRCh37 (hg19) VCF-style: chr2-24933950-G-A.
Other names: c.2569G>A, p.Ala857Thr (NM_001362950.1, NM_001362952.1, NM_001362954.1 and 3 more transcripts); short protein forms A857T.
Identifiers: ClinVar variation 2630948 (VCV002630948.4), dbSNP rs145705009, ClinGen allele CA1552424.